The following is an entry in ClinVar:

NM_003072.5(SMARCA4):c.2493G>A (p.Lys831=)

Gene: SMARCA4 (SWI/SNF related BAF chromatin remodeling complex subunit ATPase 4; plus strand). Cytogenetic location: 19p13.2.
Variant type: single nucleotide variant.
Coding change: c.2493G>A on transcript NM_003072.5 (MANE Select); coding-DNA position 2493, G replaced by A.
Protein change: p.Lys831=; no amino-acid change (lysine 831 retained).
Molecular consequence: synonymous variant. On other transcripts: non-coding transcript variant (1).
Genome position (GRCh38, 1-based): chr19:11,019,011, G>A. VCF-style: chr19-11019011-G-A. GRCh37 (hg19) VCF-style: chr19-11129687-G-A.
Other names: c.2493G>A, p.Lys831= (NM_001128844.3, NM_001128845.2, NM_001128846.2 and 4 more transcripts).
Identifiers: ClinVar variation 755285 (VCV000755285.12), dbSNP rs1600252369, ClinGen allele CA505490181.

ClinVar aggregate classification (germline): Benign/Likely benign. Review status: criteria provided, multiple submitters, no conflicts (2 of 4 stars). 4 submissions from 4 submitters: Benign (1); Likely benign (2). 1 of the submissions does not count toward it. Last evaluated 2026-07-13.

Conditions:
SMARCA4-related disorder. Also called: SMARCA4-related condition.
Rhabdoid tumor predisposition syndrome 2 (RTPS2). Identifiers: Orphanet 231108, Orphanet 69077, MedGen C2750074, MONDO:0013224, OMIM 613325.
Hereditary cancer-predisposing syndrome. Also called: Hereditary neoplastic syndrome; Neoplastic Syndromes, Hereditary; Tumor predisposition; Hereditary Cancer Syndrome. Identifiers: Orphanet 140162, MedGen C0027672, MeSH D009386, MONDO:0015356.

Allele frequency attached by ClinVar (database versions not stated): gnomAD exomes below 0.00001.
gnomAD v4.1: 3 of 1,614,052 alleles (0.00019%); highest among the groups gnomAD compares: South Asian, 0.0011%; no homozygotes.

Submissions (4):

Myriad Genetics, Inc.
Classification: Benign for Rhabdoid tumor predisposition syndrome 2. Last evaluated: 2026-07-13. Review status: criteria provided, single submitter. Criteria: Myriad Autosomal Dominant, Autosomal Recessive and X-Linked Classification Criteria (2023). Collection method: clinical testing. Allele origin: unknown.
Comment: This variant is considered benign. This variant is a silent/synonymous amino acid change and it is not expected to impact splicing.

Labcorp Genetics (formerly Invitae), Labcorp
Classification: Likely benign for Rhabdoid tumor predisposition syndrome 2. Last evaluated: 2026-01-26. Review status: criteria provided, single submitter. Criteria: Invitae Variant Classification Sherloc (09022015). Collection method: clinical testing. Allele origin: germline.

Ambry Genetics
Classification: Likely benign for Hereditary cancer-predisposing syndrome. Last evaluated: 2021-10-13. Review status: criteria provided, single submitter. Criteria: Ambry Variant Classification Scheme 2023. Collection method: clinical testing. Allele origin: germline.

PreventionGenetics, part of Exact Sciences
Classification: Likely benign for SMARCA4-related condition. Last evaluated: 2024-06-03. Review status: no assertion criteria provided. Collection method: clinical testing. Allele origin: germline. Not counted in ClinVar's aggregate classification.
Comment: This variant is classified as likely benign based on ACMG/AMP sequence variant interpretation guidelines (Richards et al. 2015 PMID: 25741868, with internal and published modifications).